The following is an entry in ClinVar:

NM_005228.5(EGFR):c.528G>C (p.Met176Ile)

Gene: EGFR (epidermal growth factor receptor; plus strand). Cytogenetic location: 7p11.2.
Variant type: single nucleotide variant.
Coding change: c.528G>C on transcript NM_005228.5 (MANE Select); coding-DNA position 528, G replaced by C.
Protein change: p.Met176Ile; replaces methionine 176 with isoleucine.
Molecular consequence: missense variant. On other transcripts: intron variant (3).
Genome position (GRCh38, 1-based): chr7:55,146,709, G>C. VCF-style: chr7-55146709-G-C. GRCh37 (hg19) VCF-style: chr7-55214402-G-C.
Other names: c.424+3221G>C (NM_001346897.2, NM_001346899.2); c.528G>C, p.Met176Ile (NM_001346898.2, NM_201282.2, NM_201283.2 and 1 more transcripts); c.369G>C, p.Met123Ile (NM_001346900.2); c.89-9121G>C (NM_001346941.2); short protein forms M123I, M176I.
Identifiers: ClinVar variation 4733474 (VCV004733474.1).

ClinVar aggregate classification (germline): Uncertain significance (1 of 4 stars; one submission).

Conditions:
EGFR-related lung cancer (EGFR). Identifiers: MedGen CN130014.

Submission:

Labcorp Genetics (formerly Invitae), Labcorp
Classification: Uncertain significance for EGFR-related lung cancer. Last evaluated: 2025-12-17. Review status: criteria provided, single submitter. Criteria: Invitae Variant Classification Sherloc (09022015). Collection method: clinical testing. Allele origin: germline.
Comment: This sequence change replaces methionine, which is neutral and non-polar, with isoleucine, which is neutral and non-polar, at codon 176 of the EGFR protein (p.Met176Ile). This variant is not present in population databases (gnomAD no frequency). This variant has not been reported in the literature in individuals affected with EGFR-related conditions. An algorithm developed to predict the effect of missense changes on protein structure and function outputs the following: PolyPhen-2: "Benign". The isoleucine amino acid residue is found in multiple mammalian species, which suggests that this missense change does not adversely affect protein function. In summary, the available evidence is currently insufficient to determine the role of this variant in disease. Therefore, it has been classified as a Variant of Uncertain Significance.